The following is an entry in ClinVar:

NM_000179.3(MSH6):c.3822dup (p.Cys1275fs)

Gene: MSH6 (mutS homolog 6; plus strand). Cytogenetic location: 2p16.3.
Variant type: Duplication.
Coding change: c.3822dup on transcript NM_000179.3 (MANE Select); coding-DNA position 3822, one base duplicated (A; older notation c.3822dupA).
Protein change: p.Cys1275fs; shifts the reading frame from cysteine 1275.
Molecular consequence: frameshift variant.
Genome position (GRCh38, 1-based): chr2:47,806,472, A duplicated; the last of 2 consecutive A bases (chr2:47,806,471-47,806,472); duplicating either gives the same sequence. VCF-style (leftmost placement, unchanged base first): chr2-47806470-G-GA. GRCh37 (hg19) VCF-style: chr2-48033609-G-GA.
Other names: c.3432dup, p.Cys1145fs (NM_001281492.2); c.2916dup, p.Cys973fs (NM_001281493.2, NM_001281494.2); c.3822dupA (NM_000179.2); short protein forms C973fs, C1145fs, C1275fs.
Identifiers: ClinVar variation 446214 (VCV000446214.4), dbSNP rs1553333346, ClinGen allele CA658653650.
Genomic context (GRCh38, chr2:47,806,470, plus strand): 5'-CTCTTGCTAGCACATGTATCGCTAATATTTTTCTTTCTTAAGGCATGCATGGTAGAAAAT[G>GA]AATGTGAAGACCCCAGCCAGGAGACTATTACGTTCCTCTATAAATTCATTAAGGGAGCTT-3'

ClinVar aggregate classification (germline): Pathogenic. Review status: criteria provided, multiple submitters, no conflicts (2 of 4 stars). 3 submissions from 3 submitters: Pathogenic (2). 1 of the submissions does not count toward it. Last evaluated 2023-08-25.

Conditions:
Lynch syndrome 5 (LYNCH5). Also called: Hereditary non-polyposis colorectal cancer, type 5; Colorectal cancer, hereditary nonpolyposis, type 5. Identifiers: Orphanet 144, MedGen C1833477, MONDO:0013710, OMIM 614350. Disease mechanism: loss of function.
Gaucher disease type I (GD1). Also called: Gaucher's disease, type 1; GAUCHER DISEASE, NONCEREBRAL JUVENILE; GBA DEFICIENCY; GD I; GLUCOCEREBROSIDASE DEFICIENCY; Type 1 Gaucher Disease. Identifiers: Orphanet 355, Orphanet 77259, MedGen C1961835, MONDO:0009265, OMIM 230800.
Hereditary cancer-predisposing syndrome. Also called: Hereditary Cancer Syndrome; Hereditary neoplastic syndrome; Neoplastic Syndromes, Hereditary; Tumor predisposition. Identifiers: Orphanet 140162, MedGen C0027672, MeSH D009386, MONDO:0015356.

Submissions (3):

Myriad Genetics, Inc.
Classification: Pathogenic for Lynch syndrome 5. Last evaluated: 2023-08-25. Review status: criteria provided, single submitter. Criteria: Myriad Autosomal Dominant, Autosomal Recessive and X-Linked Classification Criteria (2023). Collection method: clinical testing. Allele origin: unknown.
Comment: This variant is considered pathogenic. This variant creates a frameshift predicted to result in premature protein truncation.

Ambry Genetics
Classification: Pathogenic for Hereditary cancer-predisposing syndrome. Last evaluated: 2021-03-25. Review status: criteria provided, single submitter. Criteria: Ambry Variant Classification Scheme 2023. Collection method: clinical testing. Allele origin: germline.
Comment: The c.3822dupA pathogenic mutation, located in coding exon 9 of the MSH6 gene, results from a duplication of A at nucleotide position 3822, causing a translational frameshift with a predicted alternate stop codon (p.C1275Mfs*2). Two Mexican-American siblings with CMMRD were found to be homozygous for this mutation (Lo SM et al. Blood, 2012 May;119:4731-40). In addition to the clinical data presented in the literature, this alteration is expected to result in loss of function by premature protein truncation or nonsense-mediated mRNA decay. As such, this alteration is interpreted as a disease-causing mutation.

Yale Center for Mendelian Genomics, Yale University
Classification: Likely pathogenic for Gaucher disease, type 1. Last evaluated: 2012-04-04. Review status: no assertion criteria provided. Collection method: literature only. Allele origin: germline. Affected: yes. Observed: 1 homozygote. Not counted in ClinVar's aggregate classification.

Literature cited by the submitters: PubMed 22493294 (cited by Ambry Genetics and Yale Center for Mendelian Genomics, Yale University).